The following is an entry in ClinVar:

NM_000391.4(TPP1):c.1049G>A (p.Arg350Gln)

Gene: TPP1 (tripeptidyl peptidase 1; minus strand). Cytogenetic location: 11p15.4.
Variant type: single nucleotide variant.
Coding change: c.1049G>A on transcript NM_000391.4 (MANE Select); coding-DNA position 1049, G replaced by A.
Protein change: p.Arg350Gln; replaces arginine 350 with glutamine.
Molecular consequence: missense variant.
Genome position (GRCh38, 1-based): chr11:6,616,341, C>T on the plus strand (G>A on the coding strand, the complement: TPP1 is on the minus strand). VCF-style: chr11-6616341-C-T. GRCh37 (hg19) VCF-style: chr11-6637572-C-T.
Other names: short protein forms R350Q.
Identifiers: ClinVar variation 501669 (VCV000501669.9), dbSNP rs199866669, ClinGen allele CA5858786.
Genomic context (GRCh38, chr11:6,616,341, plus strand): 5'-GTAAGCATTGTCTAAGTTTAGGGTAGGAGGTCACCTGAGGCGAAGAGCAGGGTGAGACCC[C>T]GAGCGGCAGCCTTCATGAGCTCAGTGTTGACCCGCTGGATGTAGGCGCTGCTGAGGGAGT-3'
Protein context (NP_000382.3, residues 340-360): VNTELMKAAA[Arg350Gln]GLTLLFASGD

ClinVar aggregate classification (germline): Uncertain significance. Review status: criteria provided, multiple submitters, no conflicts (2 of 4 stars). 3 submissions from 3 submitters: Uncertain significance (2). 1 of the submissions does not count toward it. Last evaluated 2022-07-26.

Conditions:
Neuronal ceroid lipofuscinosis 2. Also called: JANSKY-BIELSCHOWSKY DISEASE NEURONAL CEROID LIPOFUSCINOSIS, LATE INFANTILE; TPP1-Related Neuronal Ceroid-Lipofuscinosis. Identifiers: Orphanet 168491, Orphanet 228349, Orphanet 79264, MedGen C1876161, MONDO:0008769, OMIM 204500.

Allele frequency attached by ClinVar (database versions not stated): gnomAD 0.00001 and 0.00002; TOPMed 0.00001; 1000 Genomes Project 0.00040; 1000 Genomes Project 30x 0.00047.
gnomAD v4.1: 41 of 1,613,392 alleles (0.0025%); highest among the groups gnomAD compares: East Asian, 0.013%; no homozygotes.

Submissions (3):

Labcorp Genetics (formerly Invitae), Labcorp
Classification: Uncertain significance. Last evaluated: 2022-07-26. Review status: criteria provided, single submitter. Criteria: Invitae Variant Classification Sherloc (09022015). Collection method: clinical testing. Allele origin: germline.
Comment: This sequence change replaces arginine, which is basic and polar, with glutamine, which is neutral and polar, at codon 350 of the TPP1 protein (p.Arg350Gln). This variant is present in population databases (rs199866669, gnomAD 0.01%). This missense change has been observed in individual(s) with clinical features of juvenile myoclonic epilepsy (PMID: 29924869). ClinVar contains an entry for this variant (Variation ID: 501669). Advanced modeling of protein sequence and biophysical properties (such as structural, functional, and spatial information, amino acid conservation, physicochemical variation, residue mobility, and thermodynamic stability) performed at Invitae indicates that this missense variant is expected to disrupt TPP1 protein function. In summary, the available evidence is currently insufficient to determine the role of this variant in disease. Therefore, it has been classified as a Variant of Uncertain Significance.

Eurofins Ntd Llc (ga)
Classification: Uncertain significance. Last evaluated: 2017-05-05. Review status: criteria provided, single submitter. Criteria: EGL Classification Definitions 2015. Collection method: clinical testing. Allele origin: germline. Observed: 1 variant allele, 1 heterozygote.

Natera, Inc.
Classification: Uncertain significance for Neuronal ceroid lipofuscinosis 2. Last evaluated: 2020-09-16. Review status: no assertion criteria provided. Collection method: clinical testing. Allele origin: germline. Not counted in ClinVar's aggregate classification.

Literature cited by the submitters: PubMed 29924869 (cited by Labcorp Genetics (formerly Invitae), Labcorp).